The following is an entry in ClinVar:

NM_138477.4(CDAN1):c.1787A>G (p.Gln596Arg)

Gene: CDAN1 (codanin 1; minus strand). Cytogenetic location: 15q15.2.
Variant type: single nucleotide variant.
Coding change: c.1787A>G on transcript NM_138477.4 (MANE Select); coding-DNA position 1787, A replaced by G.
Protein change: p.Gln596Arg; replaces glutamine 596 with arginine.
Molecular consequence: missense variant.
Genome position (GRCh38, 1-based): chr15:42,731,284, T>C on the plus strand (A>G on the coding strand, the complement: CDAN1 is on the minus strand). VCF-style: chr15-42731284-T-C. GRCh37 (hg19) VCF-style: chr15-43023482-T-C.
Other names: c.1787A>G, p.Gln596Arg (LRG_1164t1); short protein forms Q596R.
Identifiers: ClinVar variation 21747 (VCV000021747.32), dbSNP rs12917189, ClinGen allele CA342445.
Genomic context (GRCh38, chr15:42,731,284, plus strand): 5'-TCTGACTCCCCGTCTTCATCATTGGGCTCATGCTGGGGCAGGGCAAGACCATTGAGCTCC[T>C]GGATCTTCAAGCTCAGACTGTCCATGAGATGCTGGTTAAACTGGAAGCTGAGAAGAAGGG-3'
Protein context (NP_612486.2, residues 586-606): HLMDSLSLKI[Gln596Arg]ELNGLALPQH

ClinVar aggregate classification (germline): Benign/Likely benign. Review status: criteria provided, multiple submitters, no conflicts (2 of 4 stars). 8 submissions from 8 submitters: Benign (7); Likely benign (1). Last evaluated 2026-02-04.

Conditions:
Anemia, congenital dyserythropoietic, type 1a (CDAN1A). Also called: CDAN1-Related Congenital Dyserythropoietic Anemia; DYSERYTHROPOIETIC ANEMIA, CONGENITAL, TYPE Ia. Identifiers: MedGen C5574667, MONDO:0009135, OMIM 224120.
Congenital dyserythropoietic anemia, type I. Also called: Dyserythropoietic anemia, congenital type 1. Identifiers: Orphanet 98869, MedGen C0271933, MONDO:0020337. Disease mechanism: loss of function.

Allele frequency attached by ClinVar (database versions not stated): gnomAD exomes 0.27748; ExAC 0.29333; 1000 Genomes Project 0.45367; 1000 Genomes Project 30x 0.46174; gnomAD 0.39665 and 0.40225; TOPMed 0.40332; ESP Exome Variant Server 0.41626.

Submissions (8):

Labcorp Genetics (formerly Invitae), Labcorp
Classification: Benign. Last evaluated: 2026-02-04. Review status: criteria provided, single submitter. Criteria: Invitae Variant Classification Sherloc (09022015). Collection method: clinical testing. Allele origin: germline.

Mayo Clinic Laboratories, Mayo Clinic
Classification: Benign. Last evaluated: 2025-08-11. Review status: criteria provided, single submitter. Criteria: ACMG Guidelines, 2015. Collection method: clinical testing. Allele origin: germline. Observed: 1,027 variant alleles.
Comment: BA1

ARUP Laboratories, Molecular Genetics and Genomics, ARUP Laboratories
Classification: Benign for Anemia, congenital dyserythropoietic, type 1a. Last evaluated: 2025-07-31. Review status: criteria provided, single submitter. Criteria: ARUP Molecular Germline Variant Investigation Process 2024. Collection method: clinical testing. Allele origin: germline.

Blueprint Genetics
Classification: Likely benign. Last evaluated: 2024-11-27. Review status: criteria provided, single submitter. Criteria: ACMG Guidelines, 2015. Collection method: clinical testing. Allele origin: germline.

GeneDx
Classification: Benign. Last evaluated: 2021-05-04. Review status: criteria provided, single submitter. Criteria: GeneDx Variant Classification Process June 2021. Collection method: clinical testing. Allele origin: germline. Affected: yes.
Comment: This variant is associated with the following publications: (PMID: 24196372)

Illumina Laboratory Services, Illumina
Classification: Benign for Anemia, congenital dyserythropoietic, type 1a. Last evaluated: 2018-01-12. Review status: criteria provided, single submitter. Criteria: ICSL Variant Classification Criteria 13 December 2019. Collection method: clinical testing. Allele origin: germline.
Comment: This variant was observed in the ICSL laboratory as part of a predisposition screen in an ostensibly healthy population. It had not been previously curated by ICSL or reported in the Human Gene Mutation Database (HGMD: prior to June 1st, 2018), and was therefore a candidate for classification through an automated scoring system. Utilizing variant allele frequency, disease prevalence and penetrance estimates, and inheritance mode, an automated score was calculated to assess if this variant is too frequent to cause the disease. Based on the score and internal cut-off values, a variant classified as benign is not then subjected to further curation. The score for this variant resulted in a classification of benign for this disease.

Breakthrough Genomics
Classification: Benign. Review status: criteria provided, single submitter. Criteria: ACMG Guidelines, 2015. Collection method: not provided. Allele origin: germline. Inheritance: Autosomal recessive inheritance. Affected: yes.

PreventionGenetics, part of Exact Sciences
Classification: Benign. Review status: criteria provided, single submitter. Criteria: ACMG Guidelines, 2015. Collection method: clinical testing. Allele origin: germline.